The following is an entry in ClinVar:

ClinVar aggregate classification (germline): Conflicting classifications of pathogenicity. Review status: criteria provided, conflicting classifications (1 of 4 stars). 5 submissions from 4 submitters: Uncertain significance (4); Likely benign (1). Last evaluated 2026-02-02.

Conditions:
Familial thoracic aortic aneurysm and aortic dissection (TAAD). Also called: Thoracic aortic aneurysms and dissections. Identifiers: Orphanet 91387, MedGen C4707243, MONDO:0019625.
Adams-Oliver syndrome 5 (AOS5). Identifiers: Orphanet 974, MedGen C4014970, MONDO:0014459, OMIM 616028.
Aortic valve disease 1 (AOVD1). Identifiers: MedGen C3887892, MONDO:0024523, OMIM 109730.

Allele frequency attached by ClinVar (database versions not stated): TOPMed below 0.00001; gnomAD 0.00001; gnomAD exomes 0.00001.

Submissions (5):

Ambry Genetics
Classification: Likely benign for Familial thoracic aortic aneurysm and aortic dissection. Last evaluated: 2026-02-02. Review status: criteria provided, single submitter. Criteria: Ambry Variant Classification Scheme 2023. Collection method: clinical testing. Allele origin: germline.

Labcorp Genetics (formerly Invitae), Labcorp
Classification: Uncertain significance for Adams-Oliver syndrome 5. Last evaluated: 2024-09-30. Review status: criteria provided, single submitter. Criteria: Invitae Variant Classification Sherloc (09022015). Collection method: clinical testing. Allele origin: germline.
Comment: This sequence change replaces glutamic acid, which is acidic and polar, with aspartic acid, which is acidic and polar, at codon 2515 of the NOTCH1 protein (p.Glu2515Asp). This variant is present in population databases (no rsID available, gnomAD 0.007%). This variant has not been reported in the literature in individuals affected with NOTCH1-related conditions. ClinVar contains an entry for this variant (Variation ID: 477973). Invitae Evidence Modeling of protein sequence and biophysical properties (such as structural, functional, and spatial information, amino acid conservation, physicochemical variation, residue mobility, and thermodynamic stability) indicates that this missense variant is not expected to disrupt NOTCH1 protein function with a negative predictive value of 80%. In summary, the available evidence is currently insufficient to determine the role of this variant in disease. Therefore, it has been classified as a Variant of Uncertain Significance.

Genome-Nilou Lab
Classification: Uncertain significance for Adams-Oliver syndrome 5. Last evaluated: 2022-03-15. Review status: criteria provided, single submitter. Criteria: ACMG Guidelines, 2015. Collection method: clinical testing. Allele origin: germline. Affected: no.

Genome-Nilou Lab
Classification: Uncertain significance for Aortic valve disease 1. Last evaluated: 2022-03-15. Review status: criteria provided, single submitter. Criteria: ACMG Guidelines, 2015. Collection method: clinical testing. Allele origin: germline. Affected: no.

GeneDx
Classification: Uncertain significance. Last evaluated: 2021-02-24. Review status: criteria provided, single submitter. Criteria: GeneDx Variant Classification Process June 2021. Collection method: clinical testing. Allele origin: germline. Affected: yes.
Comment: Not observed at a significant frequency in large population cohorts (Lek et al., 2016); In silico analysis supports that this missense variant does not alter protein structure/function; Has not been previously published as pathogenic or benign to our knowledge

NM_017617.5(NOTCH1):c.7545G>T (p.Glu2515Asp)

Gene: NOTCH1 (notch receptor 1; minus strand). Cytogenetic location: 9q34.3.
Variant type: single nucleotide variant.
Coding change: c.7545G>T on transcript NM_017617.5 (MANE Select); coding-DNA position 7545, G replaced by T.
Protein change: p.Glu2515Asp; replaces glutamic acid 2515 with aspartic acid.
Molecular consequence: missense variant.
Genome position (GRCh38, 1-based): chr9:136,496,194, C>A on the plus strand (G>T on the coding strand, the complement: NOTCH1 is on the minus strand). VCF-style: chr9-136496194-C-A. GRCh37 (hg19) VCF-style: chr9-139390646-C-A.
Other names: c.7545G>T, p.Glu2515Asp (LRG_1122t1); short protein forms E2515D.
Identifiers: ClinVar variation 477973 (VCV000477973.13), dbSNP rs1365732147, ClinGen allele CA375625972.